The following is an entry in ClinVar:

NM_002439.5(MSH3):c.1180C>T (p.Gln394Ter)

Gene: MSH3 (mutS homolog 3; plus strand). Cytogenetic location: 5q14.1.
Variant type: single nucleotide variant.
Coding change: c.1180C>T on transcript NM_002439.5 (MANE Select); coding-DNA position 1180, C replaced by T.
Protein change: p.Gln394Ter; replaces glutamine 394 with a stop codon.
Molecular consequence: nonsense.
Genome position (GRCh38, 1-based): chr5:80,678,933, C>T. VCF-style: chr5-80678933-C-T. GRCh37 (hg19) VCF-style: chr5-79974752-C-T.
Other names: short protein forms Q394*.
Identifiers: ClinVar variation 1742127 (VCV001742127.5), dbSNP rs1580556391, ClinGen allele CA360268824.

ClinVar aggregate classification (germline): Pathogenic. Review status: criteria provided, multiple submitters, no conflicts (2 of 4 stars). 2 submissions from 2 submitters: Pathogenic (2). Last evaluated 2023-08-03.

Conditions:
Hereditary cancer-predisposing syndrome. Also called: Hereditary Cancer Syndrome; Hereditary neoplastic syndrome; Neoplastic Syndromes, Hereditary; Tumor predisposition. Identifiers: Orphanet 140162, MedGen C0027672, MeSH D009386, MONDO:0015356.

Submissions (2):

Labcorp Genetics (formerly Invitae), Labcorp
Classification: Pathogenic. Last evaluated: 2023-08-03. Review status: criteria provided, single submitter. Criteria: Invitae Variant Classification Sherloc (09022015). Collection method: clinical testing. Allele origin: germline.
Comment: This sequence change creates a premature translational stop signal (p.Gln394*) in the MSH3 gene. It is expected to result in an absent or disrupted protein product. Loss-of-function variants in MSH3 are known to be pathogenic (PMID: 27476653). For these reasons, this variant has been classified as Pathogenic. ClinVar contains an entry for this variant (Variation ID: 1742127). This variant has not been reported in the literature in individuals affected with MSH3-related conditions. This variant is not present in population databases (gnomAD no frequency).

Ambry Genetics
Classification: Pathogenic for Hereditary cancer-predisposing syndrome. Last evaluated: 2021-09-08. Review status: criteria provided, single submitter. Criteria: Ambry Variant Classification Scheme 2023. Collection method: clinical testing. Allele origin: germline.
Comment: The p.Q394* pathogenic mutation (also known as c.1180C>T), located in coding exon 8 of the MSH3 gene, results from a C to T substitution at nucleotide position 1180. This changes the amino acid from a glutamine to a stop codon within coding exon 8. This variant is considered to be rare based on population cohorts in the Genome Aggregation Database (gnomAD). This alteration is expected to result in loss of function by premature protein truncation or nonsense-mediated mRNA decay. As such, this alteration is interpreted as a disease-causing mutation.

Literature cited by the submitters: PubMed 27476653 (cited by Labcorp Genetics (formerly Invitae), Labcorp).